The following is an entry in ClinVar:

NM_004500.4(HNRNPC):c.626G>A (p.Ser209Asn)

Gene: HNRNPC (heterogeneous nuclear ribonucleoprotein C; minus strand). Cytogenetic location: 14q11.2.
Variant type: single nucleotide variant.
Coding change: c.626G>A on transcript NM_004500.4 (MANE Select); coding-DNA position 626, G replaced by A.
Protein change: p.Ser209Asn; replaces serine 209 with asparagine.
Molecular consequence: missense variant.
Genome position (GRCh38, 1-based): chr14:21,211,821, C>T on the plus strand (G>A on the coding strand, the complement: HNRNPC is on the minus strand). VCF-style: chr14-21211821-C-T. GRCh37 (hg19) VCF-style: chr14-21679980-C-T.
Other names: c.665G>A, p.Ser222Asn (NM_031314.3, NM_001077442.2); c.626G>A, p.Ser209Asn (NM_001077443.2); short protein forms S209N, S222N.
Identifiers: ClinVar variation 2462711 (VCV002462711.6), dbSNP rs199818734, ClinGen allele CA7088353.
Genomic context (GRCh38, chr14:21,211,821, plus strand): 5'-ATGTAACTAACCCAACTGTATACCAAGGGCAAGCAGAAAACCCATTTACCTGCTTGTTTG[C>T]TCTGTTCCTTTTCAATTTTTTCCAGGTTTTCCAGGAGAGAATCCACTTTTTGTTTTATCT-3'
Protein context (NP_004491.2, residues 199-219): ENLEKIEKEQ[Ser209Asn]KQAVEMKNDK

ClinVar aggregate classification (germline): Conflicting classifications of pathogenicity. Review status: criteria provided, conflicting classifications (1 of 4 stars). 2 submissions from 2 submitters: Uncertain significance (1); Likely benign (1). Last evaluated 2026-08-01.

Conditions:
Inborn genetic diseases. Identifiers: MedGen C0950123, MeSH D030342.

Allele frequency attached by ClinVar (database versions not stated): ESP Exome Variant Server 0.00008; gnomAD 0.00011; TOPMed 0.00011; gnomAD exomes 0.00006; ExAC 0.00007.
gnomAD v4.1: 104 of 1,612,058 alleles (0.0065%); highest among the groups gnomAD compares: Non-Finnish European, 0.0084%; no homozygotes.

Submissions (2):

CeGaT Center for Human Genetics Tuebingen
Classification: Likely benign. Last evaluated: 2026-08-01. Review status: criteria provided, single submitter. Criteria: CeGaT Center For Human Genetics Tuebingen Variant Classification Criteria Version 2. Collection method: clinical testing. Allele origin: germline. Affected: yes. Observed: 2 variant alleles.
Comment: HNRNPC: BS1

Ambry Genetics
Classification: Uncertain significance for Inborn genetic diseases. Last evaluated: 2023-02-22. Review status: criteria provided, single submitter. Criteria: Ambry Variant Classification Scheme 2023. Collection method: clinical testing. Allele origin: germline.